The following is an entry in ClinVar:

ClinVar aggregate classification (germline): Uncertain significance. Review status: criteria provided, multiple submitters, no conflicts (2 of 4 stars). 2 submissions from 2 submitters: Uncertain significance (2). Last evaluated 2026-01-03.

Conditions:
Inborn genetic diseases. Identifiers: MedGen C0950123, MeSH D030342.
Fanconi anemia (FA). Also called: Fanconi's anemia. Identifiers: Orphanet 84, MedGen C0015625, MeSH D005199, MONDO:0019391.

Submissions (2):

Ambry Genetics
Classification: Uncertain significance for Inborn genetic diseases. Last evaluated: 2026-01-03. Review status: criteria provided, single submitter. Criteria: Ambry Variant Classification Scheme 2023. Collection method: clinical testing. Allele origin: germline.
Comment: The p.K1392E variant (also known as c.4174A>G), located in coding exon 14 of the FANCM gene, results from an A to G substitution at nucleotide position 4174. The lysine at codon 1392 is replaced by glutamic acid, an amino acid with similar properties. This amino acid position is conserved. In addition, this alteration is predicted to be tolerated by in silico analysis. Based on the available evidence, the clinical significance of this variant remains unclear.

Labcorp Genetics (formerly Invitae), Labcorp
Classification: Uncertain significance for Fanconi anemia. Last evaluated: 2023-02-13. Review status: criteria provided, single submitter. Criteria: Invitae Variant Classification Sherloc (09022015). Collection method: clinical testing. Allele origin: germline.
Comment: This variant has not been reported in the literature in individuals affected with FANCM-related conditions. This variant is not present in population databases (gnomAD no frequency). This sequence change replaces lysine, which is basic and polar, with glutamic acid, which is acidic and polar, at codon 1392 of the FANCM protein (p.Lys1392Glu). In summary, the available evidence is currently insufficient to determine the role of this variant in disease. Therefore, it has been classified as a Variant of Uncertain Significance. Algorithms developed to predict the effect of missense changes on protein structure and function (SIFT, PolyPhen-2, Align-GVGD) all suggest that this variant is likely to be tolerated.

NM_020937.4(FANCM):c.4174A>G (p.Lys1392Glu)

Gene: FANCM (FA complementation group M; plus strand). Cytogenetic location: 14q21.2.
Variant type: single nucleotide variant.
Coding change: c.4174A>G on transcript NM_020937.4 (MANE Select); coding-DNA position 4174, A replaced by G.
Protein change: p.Lys1392Glu; replaces lysine 1392 with glutamic acid.
Molecular consequence: missense variant.
Genome position (GRCh38, 1-based): chr14:45,176,928, A>G. VCF-style: chr14-45176928-A-G. GRCh37 (hg19) VCF-style: chr14-45646131-A-G.
Other names: c.4096A>G, p.Lys1366Glu (NM_001308133.2); short protein forms K1366E, K1392E.
Identifiers: ClinVar variation 2802840 (VCV002802840.4), dbSNP rs2503197840, ClinGen allele CA389604619.